The following is an entry in ClinVar:

ClinVar aggregate classification (germline): Likely benign. Review status: criteria provided, multiple submitters, no conflicts (2 of 4 stars). 4 submissions from 4 submitters: Likely benign (4). Last evaluated 2026-06-23.

Conditions:
DYNC1H1-related disorder. Also called: DYNC1H1-related condition; DYNC1H1-related disorders. Identifiers: MedGen CN381529.
Inborn genetic diseases. Identifiers: MedGen C0950123, MeSH D030342.
Charcot-Marie-Tooth disease axonal type 2O. Also called: Charcot-Marie-Tooth disease, axonal, type 20; Charcot-Marie-Tooth Neuropathy Type 2O; CHARCOT-MARIE-TOOTH NEUROPATHY, AXONAL, TYPE 2O; CHARCOT-MARIE-TOOTH DISEASE, AXONAL, AUTOSOMAL DOMINANT, TYPE 2O. Identifiers: Orphanet 284232, MedGen C3280220, MONDO:0013644, OMIM 614228.

Allele frequency attached by ClinVar (database versions not stated): ESP Exome Variant Server 0.00015; gnomAD 0.00015 and 0.00018; 1000 Genomes Project 30x 0.00016; 1000 Genomes Project 0.00020; TOPMed 0.00027.
gnomAD v4.1: 45 of 1,614,156 alleles (0.0028%); highest among the groups gnomAD compares: African/African-American, 0.039%; no homozygotes.

Submissions (4):

PreventionGenetics, part of Exact Sciences
Classification: Likely benign for DYNC1H1-related condition. Last evaluated: 2026-06-23. Review status: criteria provided, single submitter. Criteria: ACMG Guidelines, 2015. Collection method: clinical testing. Allele origin: germline.
Comment: This variant is classified as likely benign based on ACMG/AMP sequence variant interpretation guidelines (Richards et al. 2015 PMID: 25741868, with internal and published modifications).

Labcorp Genetics (formerly Invitae), Labcorp
Classification: Likely benign for Charcot-Marie-Tooth disease axonal type 2O. Last evaluated: 2025-12-03. Review status: criteria provided, single submitter. Criteria: Invitae Variant Classification Sherloc (09022015). Collection method: clinical testing. Allele origin: germline.

GeneDx
Classification: Likely benign. Last evaluated: 2021-05-26. Review status: criteria provided, single submitter. Criteria: GeneDx Variant Classification Process June 2021. Collection method: clinical testing. Allele origin: germline. Affected: yes.

Ambry Genetics
Classification: Likely benign for Inborn genetic diseases. Last evaluated: 2016-07-29. Review status: criteria provided, single submitter. Criteria: Ambry Variant Classification Scheme 2023. Collection method: clinical testing. Allele origin: germline.

NM_001376.5(DYNC1H1):c.12795C>T (p.Leu4265=)

Gene: DYNC1H1 (dynein cytoplasmic 1 heavy chain 1; plus strand). Cytogenetic location: 14q32.31.
Variant type: single nucleotide variant.
Coding change: c.12795C>T on transcript NM_001376.5 (MANE Select); coding-DNA position 12795, C replaced by T.
Protein change: p.Leu4265=; no amino-acid change (leucine 4265 retained).
Molecular consequence: synonymous variant.
Genome position (GRCh38, 1-based): chr14:102,044,384, C>T. VCF-style: chr14-102044384-C-T. GRCh37 (hg19) VCF-style: chr14-102510721-C-T.
Identifiers: ClinVar variation 390544 (VCV000390544.15), dbSNP rs371160908, ClinGen allele CA7354035.